The following is an entry in ClinVar:

ClinVar aggregate classification (germline): Uncertain significance (1 of 4 stars; one submission).

Submission:

GeneDx
Classification: Uncertain significance. Last evaluated: 2024-04-24. Review status: criteria provided, single submitter. Criteria: GeneDx Variant Classification Process June 2021. Collection method: clinical testing. Allele origin: germline. Affected: yes.
Comment: Not observed at significant frequency in large population cohorts (gnomAD); Nonsense variant predicted to result in protein truncation or nonsense mediated decay in a gene or region of a gene for which loss of function is not a well-established mechanism of disease; Has not been previously published as pathogenic or benign to our knowledge

NM_006445.4(PRPF8):c.4064C>G (p.Ser1355Ter)

Gene: PRPF8 (pre-mRNA processing factor 8; minus strand). Cytogenetic location: 17p13.3.
Variant type: single nucleotide variant.
Coding change: c.4064C>G on transcript NM_006445.4 (MANE Select); coding-DNA position 4064, C replaced by G.
Protein change: p.Ser1355Ter; replaces serine 1355 with a stop codon.
Molecular consequence: nonsense.
Genome position (GRCh38, 1-based): chr17:1,661,749, G>C on the plus strand (C>G on the coding strand, the complement: PRPF8 is on the minus strand). VCF-style: chr17-1661749-G-C. GRCh37 (hg19) VCF-style: chr17-1565043-G-C.
Other names: short protein forms S1355*.
Identifiers: ClinVar variation 3373040 (VCV003373040.1).